The following is an entry in ClinVar:

NM_000271.5(NPC1):c.415del (p.Thr139fs)

Gene: NPC1 (NPC intracellular cholesterol transporter 1; minus strand). Cytogenetic location: 18q11.2.
Variant type: Deletion.
Coding change: c.415del on transcript NM_000271.5 (MANE Select); coding-DNA position 415, one base deleted (A; older notation c.415delA).
Protein change: p.Thr139fs; shifts the reading frame from threonine 139.
Molecular consequence: frameshift variant.
Genome position (GRCh38, 1-based): chr18:23,568,871, T deleted on the plus strand (A on the coding strand, the reverse complement: NPC1 is on the minus strand); the first of 4 consecutive T bases (chr18:23,568,871-23,568,874); deleting any one gives the same sequence. VCF-style (leftmost placement, unchanged base first): chr18-23568870-GT-G. GRCh37 (hg19) VCF-style: chr18-21148834-GT-G.
Other names: short protein forms T139fs.
Identifiers: ClinVar variation 2016522 (VCV002016522.4), dbSNP rs2511340936, ClinGen allele CA2580095646.

ClinVar aggregate classification (germline): Pathogenic (1 of 4 stars; one submission).

Conditions:
Niemann-Pick disease, type C1. Also called: NEUROVISCERAL STORAGE DISEASE WITH VERTICAL SUPRANUCLEAR OPHTHALMOPLEGIA; NIEMANN-PICK DISEASE WITH CHOLESTEROL ESTERIFICATION BLOCK; NIEMANN-PICK DISEASE WITHOUT SPHINGOMYELINASE DEFICIENCY; NIEMANN-PICK DISEASE, CHRONIC NEURONOPATHIC FORM; NIEMANN-PICK DISEASE, VARIANT TYPE C1. Identifiers: Orphanet 646, MedGen C3179455, MONDO:0009757, OMIM 257220.

Submission:

Labcorp Genetics (formerly Invitae), Labcorp
Classification: Pathogenic for Niemann-Pick disease, type C1. Last evaluated: 2023-10-09. Review status: criteria provided, single submitter. Criteria: Invitae Variant Classification Sherloc (09022015). Collection method: clinical testing. Allele origin: germline.
Comment: This sequence change creates a premature translational stop signal (p.Thr139Glnfs*3) in the NPC1 gene. It is expected to result in an absent or disrupted protein product. Loss-of-function variants in NPC1 are known to be pathogenic (PMID: 9211850). This variant is not present in population databases (gnomAD no frequency). This variant has not been reported in the literature in individuals affected with NPC1-related conditions. ClinVar contains an entry for this variant (Variation ID: 2016522). For these reasons, this variant has been classified as Pathogenic.

Literature cited by the submitters: PubMed 9211850.